The following is an entry in ClinVar:

ClinVar aggregate classification (germline): Uncertain significance (1 of 4 stars; one submission).

Conditions:
Cardiovascular phenotype. Identifiers: MedGen CN230736.

Submission:

Ambry Genetics
Classification: Uncertain significance for Cardiovascular phenotype. Last evaluated: 2025-01-07. Review status: criteria provided, single submitter. Criteria: Ambry Variant Classification Scheme 2023. Collection method: clinical testing. Allele origin: germline.
Comment: The p.E351G variant (also known as c.1052A>G), located in coding exon 6 of the DES gene, results from an A to G substitution at nucleotide position 1052. The glutamic acid at codon 351 is replaced by glycine, an amino acid with similar properties. This amino acid position is conserved. In addition, this alteration is predicted to be deleterious by in silico analysis. Based on the available evidence, the clinical significance of this variant remains unclear.

NM_001927.4(DES):c.1052A>G (p.Glu351Gly)

Gene: DES (desmin; plus strand). Cytogenetic location: 2q35.
Variant type: single nucleotide variant.
Coding change: c.1052A>G on transcript NM_001927.4 (MANE Select); coding-DNA position 1052, A replaced by G.
Protein change: p.Glu351Gly; replaces glutamic acid 351 with glycine.
Molecular consequence: missense variant. On other transcripts: intron variant (2).
Genome position (GRCh38, 1-based): chr2:219,421,368, A>G. VCF-style: chr2-219421368-A-G. GRCh37 (hg19) VCF-style: chr2-220286090-A-G.
Other names: c.1049A>G, p.Glu350Gly (NM_001382708.1); c.1031A>G, p.Glu344Gly (NM_001382711.1); c.1052A>G, p.Glu351Gly (NM_001382712.1); c.782A>G, p.Glu261Gly (NM_001382713.1); c.1024-41A>G (NM_001382710.1); c.736-116A>G (NM_001382709.1); short protein forms E351G, E344G, E350G, E261G.
Identifiers: ClinVar variation 3839553 (VCV003839553.1).